The following is an entry in ClinVar:

ClinVar aggregate classification (germline): Uncertain significance (1 of 4 stars; one submission).

Conditions:
Hereditary cancer-predisposing syndrome. Also called: Neoplastic Syndromes, Hereditary; Tumor predisposition; Hereditary neoplastic syndrome; Hereditary Cancer Syndrome. Identifiers: Orphanet 140162, MedGen C0027672, MeSH D009386, MONDO:0015356.

Submission:

Ambry Genetics
Classification: Uncertain significance for Hereditary cancer-predisposing syndrome. Last evaluated: 2025-10-31. Review status: criteria provided, single submitter. Criteria: Ambry Variant Classification Scheme 2023. Collection method: clinical testing. Allele origin: germline.
Comment: The p.E33Q variant (also known as c.97G>C), located in coding exon 1 of the CDKN2A gene, results from a G to C substitution at nucleotide position 97. The glutamic acid at codon 33 is replaced by glutamine, an amino acid with highly similar properties. This amino acid position is not well conserved in available vertebrate species. In addition, this alteration is predicted to be tolerated by in silico analysis. Based on the available evidence, the clinical significance of this variant remains unclear.

NM_000077.5(CDKN2A):c.97G>C (p.Glu33Gln)

Gene: CDKN2A (cyclin dependent kinase inhibitor 2A; minus strand). Cytogenetic location: 9p21.3.
Variant type: single nucleotide variant.
Coding change: c.97G>C on transcript NM_000077.5; coding-DNA position 97, G replaced by C.
Protein change: p.Glu33Gln; replaces glutamic acid 33 with glutamine.
Molecular consequence: missense variant (on NM_000077.6). On other transcripts: intron variant (2).
Genome position (GRCh38, 1-based): chr9:21,974,731, C>G on the plus strand (G>C on the coding strand, the complement: CDKN2A is on the minus strand). VCF-style: chr9-21974731-C-G. GRCh37 (hg19) VCF-style: chr9-21974730-C-G.
Other names: c.97G>C, p.Glu33Gln (NM_000077.6, NM_001195132.2, NM_058197.5); c.-3-3523G>C (NM_001363763.2); c.194-3523G>C (NM_058195.4); short protein forms E33Q.
Identifiers: ClinVar variation 4633915 (VCV004633915.1).